The following is an entry in ClinVar:

NM_002769.4:c.486_488delTGCinsCGA

Gene: PRSS1 (serine protease 1; plus strand).
Variant type: Indel.
Identifiers: ClinVar variation 3426322 (VCV003426322.1).

ClinVar aggregate classification (germline): Uncertain significance (1 of 4 stars; one submission).

Conditions:
Hereditary pancreatitis (PCTT). Also called: Hereditary chronic pancreatitis; PRSS1-Related Hereditary Pancreatitis. Identifiers: Orphanet 676, MedGen C0238339, MONDO:0008185, OMIM 167800.

Submission:

Ambry Genetics
Classification: Uncertain significance for Hereditary pancreatitis. Last evaluated: 2024-09-17. Review status: criteria provided, single submitter. Criteria: Ambry Variant Classification Scheme 2023. Collection method: clinical testing. Allele origin: germline.
Comment: The c.486_488delTGCinsCGA variant (also known as p.A163D), located in coding exon 4 of the PRSS1 gene, results from an in-frame deletion of TGC and insertion of CGA at nucleotide positions 486 to 488. This results in the substitution of the alanine residue for an aspartic acid residue at codon 163, an amino acid with dissimilar properties. This amino acid position is not well conserved in available vertebrate species. In addition, the in silico prediction for this alteration is inconclusive (Choi Y et al. PLoS ONE. 2012; 7(10):e46688). Based on the available evidence, the clinical significance of this variant remains unclear.